The following is an entry in ClinVar:

ClinVar aggregate classification (germline): Uncertain significance (1 of 4 stars; one submission).

Allele frequency attached by ClinVar (database versions not stated): gnomAD exomes below 0.00001; TOPMed below 0.00001; gnomAD 0.00001.
gnomAD v4.1: 3 of 1,613,814 alleles (0.00019%); highest among the groups gnomAD compares: African/African-American, 0.0013%; no homozygotes.

Submission:

Labcorp Genetics (formerly Invitae), Labcorp
Classification: Uncertain significance. Last evaluated: 2021-03-31. Review status: criteria provided, single submitter. Criteria: Invitae Variant Classification Sherloc (09022015). Collection method: clinical testing. Allele origin: germline.
Comment: In summary, the available evidence is currently insufficient to determine the role of this variant in disease. Therefore, it has been classified as a Variant of Uncertain Significance. Algorithms developed to predict the effect of missense changes on protein structure and function are either unavailable or do not agree on the potential impact of this missense change (SIFT: "Not Available"; PolyPhen-2: "Benign"; Align-GVGD: "Not Available"). This variant has not been reported in the literature in individuals with SLC9A3-related conditions. This variant is not present in population databases (ExAC no frequency). This sequence change replaces methionine with threonine at codon 657 of the SLC9A3 protein (p.Met657Thr). The methionine residue is moderately conserved and there is a moderate physicochemical difference between methionine and threonine.

NM_004174.4(SLC9A3):c.1970T>C (p.Met657Thr)

Genes: SLC9A3 (solute carrier family 9 member A3), SLC9A3-AS1 (SLC9A3 antisense RNA 1; plus strand). Cytogenetic location: 5p15.33.
Variant type: single nucleotide variant.
Coding change: c.1970T>C on transcript NM_004174.4 (MANE Select); coding-DNA position 1970, T replaced by C.
Protein change: p.Met657Thr; replaces methionine 657 with threonine.
Molecular consequence: missense variant. On other transcripts: non-coding transcript variant (1).
Genome position (GRCh38, 1-based): chr5:476,299, A>G on the plus strand (T>C on the coding strand, the complement: SLC9A3 is on the minus strand). VCF-style: chr5-476299-A-G. GRCh37 (hg19) VCF-style: chr5-476414-A-G.
Other names: c.1943T>C, p.Met648Thr (NM_001284351.3); short protein forms M648T, M657T.
Identifiers: ClinVar variation 1477944 (VCV001477944.6), dbSNP rs1231469671, ClinGen allele CA359025144.
Genomic context (GRCh38, chr5:476,299, plus strand): 5'-GCCTTCTTGTTCTGGTTGAGCCCCAGCTTGGTCGACTTGAAGGACTCCAGGCGCTTCCGC[A>G]TGGTCCTGTGGAAGATTTCCCGGTCCTGTTTCTCGTCCTCCGTGGGCGTGAGCTCGTGTC-3'
Protein context (NP_004165.2, residues 647-667): KQDREIFHRT[Met657Thr]RKRLESFKST